The following is an entry in ClinVar:

NM_021254.4(CFAP298):c.168_171dup (p.Leu58fs)

Genes: CFAP298 (cilia and flagella associated protein 298; minus strand), CFAP298-TCP10L (CFAP298-TCP10L readthrough; minus strand). Cytogenetic location: 21q22.11.
Variant type: Duplication.
Coding change: c.168_171dup on transcript NM_021254.4 (MANE Select); coding-DNA positions 168 to 171, 4 bases duplicated (ATTT; older notation c.168_171dupATTT).
Protein change: p.Leu58fs; shifts the reading frame from leucine 58.
Molecular consequence: frameshift variant. On other transcripts: non-coding transcript variant (2), 5 prime UTR variant (1).
Genome position (GRCh38, 1-based): chr21:32,609,974-32,609,977, AAAT duplicated on the plus strand (ATTT on the coding strand, the reverse complement: CFAP298 is on the minus strand); duplicating any 4 consecutive bases within chr21:32,609,974-32,609,978 gives the same sequence; the c. name uses the placement nearest the transcript's 3' end. VCF-style (leftmost placement, unchanged base first): chr21-32609973-G-GAAAT. GRCh37 (hg19) VCF-style: chr21-33982283-G-GAAAT.
Other names: c.168_171dup, p.Leu58fs (NM_001350337.2, NM_001350338.2, NM_001350335.2 and 1 more transcripts); c.-62_-59dup (NM_001350334.2); short protein forms L58fs.
Identifiers: ClinVar variation 1036754 (VCV001036754.6), dbSNP rs2038953746, ClinGen allele CA2386304820.
Genomic context (GRCh38, chr21:32,609,973, plus strand): 5'-CATCCTTCAATTTCAATTCTTCAATCTGATCATCGGTCAGTCCTTGCATATTAGGAGGGA[G>GAAAT]AAATATGCCATGTTCGGCTAATTCTTCCATTTCTTAAAAATAAGTGAAAGACAGTATCAC-3'

ClinVar aggregate classification (germline): Pathogenic (1 of 4 stars; one submission).

Submission:

Labcorp Genetics (formerly Invitae), Labcorp
Classification: Pathogenic. Last evaluated: 2023-07-21. Review status: criteria provided, single submitter. Criteria: Invitae Variant Classification Sherloc (09022015). Collection method: clinical testing. Allele origin: germline.
Comment: For these reasons, this variant has been classified as Pathogenic. This sequence change creates a premature translational stop signal (p.Leu58Ilefs*5) in the CFAP298 gene. It is expected to result in an absent or disrupted protein product. Loss-of-function variants in CFAP298 are known to be pathogenic (PMID: 24094744). This variant is not present in population databases (gnomAD no frequency). This variant has not been reported in the literature in individuals affected with CFAP298-related conditions. ClinVar contains an entry for this variant (Variation ID: 1036754). Algorithms developed to predict the effect of sequence changes on RNA splicing suggest that this variant may disrupt the consensus splice site.

Literature cited by the submitters: PubMed 24094744.